The following is an entry in ClinVar:

NM_020297.4(ABCC9):c.2199-18T>G

Gene: ABCC9 (ATP binding cassette subfamily C member 9; minus strand). Cytogenetic location: 12p12.1.
Variant type: single nucleotide variant.
Coding change: c.2199-18T>G on transcript NM_020297.4 (MANE Select); 18 bases into the intron before coding-DNA position 2199, T replaced by G.
Molecular consequence: intron variant.
Genome position (GRCh38, 1-based): chr12:21,864,495, A>C on the plus strand (T>G on the coding strand, the complement: ABCC9 is on the minus strand). VCF-style: chr12-21864495-A-C. GRCh37 (hg19) VCF-style: chr12-22017429-A-C.
Other names: c.1335-18T>G (NM_001377274.1); c.2199-18T>G (NM_005691.4, NM_001377273.1).
Identifiers: ClinVar variation 2181066 (VCV002181066.4), dbSNP rs1447103143, ClinGen allele CA603667812.
Genomic context (GRCh38, chr12:21,864,495, plus strand): 5'-ATACCTTCTGGTTGCTTCAAAAGAAGGCTCAGATTCATTTACACTGCAAGTATGGCAAAC[A>C]ATGTTCATTAATTATGAAGTAGAAATATAGAACCAATGTGCATACACGTCAGGTAAGAGA-3'

ClinVar aggregate classification (germline): Uncertain significance (1 of 4 stars; one submission).

Conditions:
Dilated cardiomyopathy 1O (CMD1O). Also called: CARDIOMYOPATHY, DILATED, WITH VENTRICULAR TACHYCARDIA. Identifiers: Orphanet 154, MedGen C1837839, MONDO:0012062, OMIM 608569.

Allele frequency attached by ClinVar (database versions not stated): TOPMed 0.00001.

Submission:

Labcorp Genetics (formerly Invitae), Labcorp
Classification: Uncertain significance for Dilated cardiomyopathy 1O. Last evaluated: 2023-06-26. Review status: criteria provided, single submitter. Criteria: Invitae Variant Classification Sherloc (09022015). Collection method: clinical testing. Allele origin: germline.
Comment: In summary, the available evidence is currently insufficient to determine the role of this variant in disease. Therefore, it has been classified as a Variant of Uncertain Significance. Algorithms developed to predict the effect of sequence changes on RNA splicing suggest that this variant may disrupt the consensus splice site. ClinVar contains an entry for this variant (Variation ID: 2181066). This variant has not been reported in the literature in individuals affected with ABCC9-related conditions. This variant is present in population databases (no rsID available, gnomAD 0.006%). This sequence change falls in intron 16 of the ABCC9 gene. It does not directly change the encoded amino acid sequence of the ABCC9 protein.